The following is an entry in ClinVar:

NM_054012.4(ASS1):c.338A>G (p.Tyr113Cys)

Gene: ASS1 (argininosuccinate synthase 1; plus strand). Cytogenetic location: 9q34.11.
Variant type: single nucleotide variant.
Coding change: c.338A>G on transcript NM_054012.4 (MANE Select); coding-DNA position 338, A replaced by G.
Protein change: p.Tyr113Cys; replaces tyrosine 113 with cysteine.
Molecular consequence: missense variant.
Genome position (GRCh38, 1-based): chr9:130,458,564, A>G. VCF-style: chr9-130458564-A-G. GRCh37 (hg19) VCF-style: chr9-133333951-A-G.
Other names: c.338A>G, p.Tyr113Cys (NM_000050.4); short protein forms Y113C.
Identifiers: ClinVar variation 3377659 (VCV003377659.1).

ClinVar aggregate classification (germline): Uncertain significance (1 of 4 stars; one submission).

Conditions:
Citrullinemia type I (CTNL1). Also called: ASS DEFICIENCY; argininosuccinate synthetase deficiency. Identifiers: Orphanet 247525, MedGen C4721769, MONDO:0008988, OMIM 215700.

gnomAD v4.1: 5 of 1,613,126 alleles (0.00031%); highest among the groups gnomAD compares: South Asian, 0.0011%; no homozygotes.

Submission:

Neuberg Centre For Genomic Medicine, NCGM
Classification: Uncertain significance for Citrullinemia type I. Last evaluated: 2023-06-22. Review status: criteria provided, single submitter. Criteria: ACMG Guidelines, 2015. Collection method: clinical testing. Allele origin: germline. Inheritance: Autosomal recessive inheritance. Affected: yes.
Comment: The observed missense variant c.338A>G(p.Tyr113Cys) in the ASS1 gene has not been reported previously as a pathogenic variant nor as a benign variant, to our knowledge. This variant is reported with the allele frequency 0.001% in the gnomAD Exomes. The amino acid Tyr at position 113 is changed to a Cys changing protein sequence and it might alter its composition and physico-chemical properties. Multiple lines of computational evidence (Polyphen - Damaging, SIFT - Damaging and MutationTaster - Disease causing) predict a damaging effect on protein structure and function for this variant. The residue is conserved by GERP++ and PhyloP across 100 vertebrates. For these reasons, this variant has been classified as Uncertain Significance.